The following is an entry in ClinVar:

NM_002180.3(IGHMBP2):c.1277T>G (p.Leu426Arg)

Gene: IGHMBP2 (immunoglobulin mu DNA binding protein 2; plus strand). Cytogenetic location: 11q13.3.
Variant type: single nucleotide variant.
Coding change: c.1277T>G on transcript NM_002180.3 (MANE Select); coding-DNA position 1277, T replaced by G.
Protein change: p.Leu426Arg; replaces leucine 426 with arginine.
Molecular consequence: missense variant.
Genome position (GRCh38, 1-based): chr11:68,933,340, T>G. VCF-style: chr11-68933340-T-G. GRCh37 (hg19) VCF-style: chr11-68700808-T-G.
Other names: short protein forms L426R.
Identifiers: ClinVar variation 466575 (VCV000466575.9), dbSNP rs1555247218, ClinGen allele CA381648752.

ClinVar aggregate classification (germline): Conflicting classifications of pathogenicity. Review status: criteria provided, conflicting classifications (1 of 4 stars). 2 submissions from 2 submitters: Likely pathogenic (1); Uncertain significance (1). Last evaluated 2024-09-24.

Conditions:
Charcot-Marie-Tooth disease axonal type 2S. Also called: CHARCOT-MARIE-TOOTH NEUROPATHY, TYPE 2S; CHARCOT-MARIE-TOOTH DISEASE, AXONAL, AUTOSOMAL RECESSIVE, TYPE 2S. Identifiers: Orphanet 443073, MedGen C4015349, MONDO:0014511, OMIM 616155.
Autosomal recessive distal spinal muscular atrophy 1. Also called: NEURONOPATHY, DISTAL HEREDITARY MOTOR, HARDING TYPE VI; NEUROPATHY, DISTAL HEREDITARY MOTOR, AUTOSOMAL RECESSIVE 1; HMN VI; NEURONOPATHY, SEVERE INFANTILE AXONAL, WITH RESPIRATORY FAILURE; SEVERE INFANTILE AXONAL NEUROPATHY WITH RESPIRATORY FAILURE; SPINAL MUSCULAR ATROPHY, DIAPHRAGMATIC. Identifiers: Orphanet 98920, MedGen C1858517, MONDO:0011436, OMIM 604320.

Allele frequency attached by ClinVar (database versions not stated): gnomAD exomes below 0.00001; TOPMed below 0.00001; gnomAD 0.00001.
gnomAD v4.1: 4 of 1,613,094 alleles (0.00025%); highest among the groups gnomAD compares: Non-Finnish European, 0.00025%; no homozygotes.

Submissions (2):

GeneDx
Classification: Likely pathogenic. Last evaluated: 2024-09-24. Review status: criteria provided, single submitter. Criteria: GeneDx Variant Classification Process June 2021. Collection method: clinical testing. Allele origin: germline. Affected: yes.
Comment: Not observed at significant frequency in large population cohorts (gnomAD); In silico analysis supports that this missense variant has a deleterious effect on protein structure/function; Has not been previously published as pathogenic or benign to our knowledge; This variant is associated with the following publications: (PMID: 24388491, 25439726, 22965130, 14681881)

Labcorp Genetics (formerly Invitae), Labcorp
Classification: Uncertain significance for Autosomal recessive distal spinal muscular atrophy 1; Charcot-Marie-Tooth disease axonal type 2S. Last evaluated: 2021-08-31. Review status: criteria provided, single submitter. Criteria: Invitae Variant Classification Sherloc (09022015). Collection method: clinical testing. Allele origin: germline.
Comment: This sequence change replaces leucine with arginine at codon 426 of the IGHMBP2 protein (p.Leu426Arg). The leucine residue is moderately conserved and there is a moderate physicochemical difference between leucine and arginine. This variant is not present in population databases (ExAC no frequency). This variant has not been reported in the literature in individuals affected with IGHMBP2-related conditions. Algorithms developed to predict the effect of missense changes on protein structure and function are either unavailable or do not agree on the potential impact of this missense change (SIFT: "Deleterious"; PolyPhen-2: "Probably Damaging"; Align-GVGD: "Class C0"). In summary, the available evidence is currently insufficient to determine the role of this variant in disease. Therefore, it has been classified as a Variant of Uncertain Significance.